The following is an entry in ClinVar:

ClinVar aggregate classification (germline): Conflicting classifications of pathogenicity. Review status: criteria provided, conflicting classifications (1 of 4 stars). 3 submissions from 3 submitters: Uncertain significance (1); Benign (1). 1 of the submissions does not count toward it. Last evaluated 2026-01-12.

Conditions:
FRAS1-related disorder. Also called: FRAS1-related condition.

Allele frequency attached by ClinVar (database versions not stated): TOPMed 0.00025; ExAC 0.00064; gnomAD exomes 0.00067; gnomAD 0.00006 and 0.00007.
gnomAD v4.1: 193 of 1,613,858 alleles (0.012%); highest among the groups gnomAD compares: Admixed American, 0.32%; no homozygotes.

Submissions (3):

Labcorp Genetics (formerly Invitae), Labcorp
Classification: Benign. Last evaluated: 2026-01-12. Review status: criteria provided, single submitter. Criteria: Invitae Variant Classification Sherloc (09022015). Collection method: clinical testing. Allele origin: germline.

Eurofins Ntd Llc (ga)
Classification: Uncertain significance. Last evaluated: 2014-10-01. Review status: criteria provided, single submitter. Criteria: EGL Classification Definitions 2015. Collection method: clinical testing. Allele origin: germline. Observed: 2 variant alleles, 2 heterozygotes.

PreventionGenetics, part of Exact Sciences
Classification: Likely benign for FRAS1-related condition. Last evaluated: 2019-03-08. Review status: no assertion criteria provided. Collection method: clinical testing. Allele origin: germline. Not counted in ClinVar's aggregate classification.
Comment: This variant is classified as likely benign based on ACMG/AMP sequence variant interpretation guidelines (Richards et al. 2015 PMID: 25741868, with internal and published modifications).

NM_025074.7(FRAS1):c.39G>A (p.Ala13=)

Gene: FRAS1 (Fraser extracellular matrix complex subunit 1; plus strand). Cytogenetic location: 4q21.21.
Variant type: single nucleotide variant.
Coding change: c.39G>A on transcript NM_025074.7 (MANE Select); coding-DNA position 39, G replaced by A.
Protein change: p.Ala13=; no amino-acid change (alanine 13 retained).
Molecular consequence: synonymous variant.
Genome position (GRCh38, 1-based): chr4:78,058,048, G>A. VCF-style: chr4-78058048-G-A. GRCh37 (hg19) VCF-style: chr4-78979202-G-A.
Other names: c.39G>A, p.Ala13= (NM_001166133.2).
Identifiers: ClinVar variation 193459 (VCV000193459.16), dbSNP rs773457837, ClinGen allele CA238979.